The following is an entry in ClinVar:

NM_001267550.2(TTN):c.2943C>A (p.Tyr981Ter)

Gene: TTN (titin; minus strand). Cytogenetic location: 2q31.2.
Variant type: single nucleotide variant.
Coding change: c.2943C>A on transcript NM_001267550.2 (MANE Select); coding-DNA position 2943, C replaced by A.
Protein change: p.Tyr981Ter; replaces tyrosine 981 with a stop codon.
Molecular consequence: nonsense.
Genome position (GRCh38, 1-based): chr2:178,782,963, G>T on the plus strand (C>A on the coding strand, the complement: TTN is on the minus strand). VCF-style: chr2-178782963-G-T. GRCh37 (hg19) VCF-style: chr2-179647690-G-T.
Other names: c.2943C>A, p.Tyr981Ter (NM_001256850.1, NM_133378.4, NM_133379.5); c.2805C>A, p.Tyr935Ter (NM_003319.4, NM_133432.3, NM_133437.4); short protein forms Y981*, Y935*.
Identifiers: ClinVar variation 2941283 (VCV002941283.3), dbSNP rs2533377067, ClinGen allele CA349491399.
Genomic context (GRCh38, chr2:178,782,963, plus strand): 5'-CATAAGACGAGCAATTCCACTCTGGAAGGTTATCTGGAAGTCAATGGAACTTTCGATTTG[G>T]TAGTCTTCCCTGTACCATGTCACTGTCGGGGATGGGTATCCAGAGATGTGGCACTCCAAG-3'

ClinVar aggregate classification (germline): Likely pathogenic (1 of 4 stars; one submission).

Conditions:
Dilated cardiomyopathy 1G (CMD1G). Identifiers: Orphanet 154, MedGen C1858763, MONDO:0011400, OMIM 604145.
Autosomal recessive limb-girdle muscular dystrophy type 2J (LGMDR10). Also called: Limb-girdle muscular dystrophy, type 2J; MUSCULAR DYSTROPHY, LIMB-GIRDLE, AUTOSOMAL RECESSIVE 10. Identifiers: Orphanet 140922, MedGen C1837342, MONDO:0012127, OMIM 608807.

Submission:

Labcorp Genetics (formerly Invitae), Labcorp
Classification: Likely pathogenic for Dilated cardiomyopathy 1G; Autosomal recessive limb-girdle muscular dystrophy type 2J. Last evaluated: 2024-11-04. Review status: criteria provided, single submitter. Criteria: Invitae Variant Classification Sherloc (09022015). Collection method: clinical testing. Allele origin: germline.
Comment: This sequence change creates a premature translational stop signal (p.Tyr981*) in the TTN gene. While this is not anticipated to result in nonsense mediated decay, it is expected to create a truncated TTN protein. This variant is not present in population databases (gnomAD no frequency). This variant has not been reported in the literature in individuals affected with TTN-related conditions. ClinVar contains an entry for this variant (Variation ID: 2941283). This variant is located in the Z band of TTN (PMID: 25589632). Truncating variants in this region have been reported in individuals affected with autosomal recessive centronuclear myopathy (PMID: 33449170, internal data). Truncating variants in this region have also been identified in individuals affected with autosomal dominant dilated cardiomyopathy and/or cardio-related conditions (PMID: 27869827, 32964742, internal data). In summary, the currently available evidence indicates that the variant is pathogenic, but additional data are needed to prove that conclusively. Therefore, this variant has been classified as Likely Pathogenic.

Literature cited by the submitters: PubMed 25589632; PubMed 33449170; PubMed 27869827; PubMed 32964742.